The following is an entry in ClinVar:

NM_005591.4(MRE11):c.1363G>A (p.Gly455Ser)

Gene: MRE11 (MRE11 double strand break repair nuclease; minus strand). Cytogenetic location: 11q21.
Variant type: single nucleotide variant.
Coding change: c.1363G>A on transcript NM_005591.4 (MANE Select); coding-DNA position 1363, G replaced by A.
Protein change: p.Gly455Ser; replaces glycine 455 with serine.
Molecular consequence: missense variant.
Genome position (GRCh38, 1-based): chr11:94,459,545, C>T on the plus strand (G>A on the coding strand, the complement: MRE11 is on the minus strand). VCF-style: chr11-94459545-C-T. GRCh37 (hg19) VCF-style: chr11-94192711-C-T.
Other names: c.1363G>A, p.Gly455Ser (NM_001330347.2, NM_005590.4); short protein forms G455S.
Identifiers: ClinVar variation 3021080 (VCV003021080.3), dbSNP rs2496387238, ClinGen allele CA382371984.
Genomic context (GRCh38, chr11:94,459,545, plus strand): 5'-TCACTAATTCCTCAATGGCATCTTTCTCCTCCTTGTCCACAAATTCTTGTACTGCTTCAC[C>T]CATCCCTCTTTCTGTTAGCAGTGAGAGCTGCACATTCTGTAAGATACAAATCACTGGATG-3'
Protein context (NP_005582.1, residues 445-465): QLSLLTERGM[Gly455Ser]EAVQEFVDKE

ClinVar aggregate classification (germline): Uncertain significance (1 of 4 stars; one submission).

Conditions:
Ataxia-telangiectasia-like disorder (ATLD). Identifiers: MedGen C1858391, MONDO:0011457.

Allele frequency attached by ClinVar (database versions not stated): gnomAD exomes below 0.00001.
gnomAD v4.1: 2 of 1,614,006 alleles (0.00012%); highest among the groups gnomAD compares: Non-Finnish European, 0.00017%; no homozygotes.

Submission:

Labcorp Genetics (formerly Invitae), Labcorp
Classification: Uncertain significance for Ataxia-telangiectasia-like disorder. Last evaluated: 2022-11-25. Review status: criteria provided, single submitter. Criteria: Invitae Variant Classification Sherloc (09022015). Collection method: clinical testing. Allele origin: germline.
Comment: This sequence change replaces glycine, which is neutral and non-polar, with serine, which is neutral and polar, at codon 455 of the MRE11 protein (p.Gly455Ser). This variant is not present in population databases (gnomAD no frequency). This variant has not been reported in the literature in individuals affected with MRE11-related conditions. Algorithms developed to predict the effect of missense changes on protein structure and function are either unavailable or do not agree on the potential impact of this missense change (SIFT: "Tolerated"; PolyPhen-2: "Possibly Damaging"; Align-GVGD: "Class C0"). In summary, the available evidence is currently insufficient to determine the role of this variant in disease. Therefore, it has been classified as a Variant of Uncertain Significance.